The following is an entry in ClinVar:

NM_024757.5(EHMT1):c.425C>G (p.Thr142Ser)

Gene: EHMT1 (euchromatic histone lysine methyltransferase 1; plus strand). Cytogenetic location: 9q34.3.
Variant type: single nucleotide variant.
Coding change: c.425C>G on transcript NM_024757.5 (MANE Select); coding-DNA position 425, C replaced by G.
Protein change: p.Thr142Ser; replaces threonine 142 with serine.
Molecular consequence: missense variant.
Genome position (GRCh38, 1-based): chr9:137,716,965, C>G. VCF-style: chr9-137716965-C-G. GRCh37 (hg19) VCF-style: chr9-140611417-C-G.
Other names: c.425C>G, p.Thr142Ser (NM_001145527.2, NM_001354263.2, NM_001354611.2); c.332C>G, p.Thr111Ser (NM_001354259.2, NM_001354612.2); short protein forms T142S, T111S.
Identifiers: ClinVar variation 3726886 (VCV003726886.2).

ClinVar aggregate classification (germline): Uncertain significance (1 of 4 stars; one submission).

Conditions:
Kleefstra syndrome 1 (KLEFS1). Identifiers: Orphanet 261494, MedGen C0795833, MONDO:0027407, OMIM 610253.

Submission:

Labcorp Genetics (formerly Invitae), Labcorp
Classification: Uncertain significance for Kleefstra syndrome 1. Last evaluated: 2024-03-12. Review status: criteria provided, single submitter. Criteria: Invitae Variant Classification Sherloc (09022015). Collection method: clinical testing. Allele origin: germline.
Comment: This sequence change replaces threonine, which is neutral and polar, with serine, which is neutral and polar, at codon 142 of the EHMT1 protein (p.Thr142Ser). This variant is not present in population databases (gnomAD no frequency). This variant has not been reported in the literature in individuals affected with EHMT1-related conditions. An algorithm developed to predict the effect of missense changes on protein structure and function (PolyPhen-2) suggests that this variant is likely to be tolerated. In summary, the available evidence is currently insufficient to determine the role of this variant in disease. Therefore, it has been classified as a Variant of Uncertain Significance.